The following is an entry in ClinVar:

NM_198994.3(TGM6):c.304G>A (p.Ala102Thr)

Gene: TGM6 (transglutaminase 6; plus strand). Cytogenetic location: 20p13.
Variant type: single nucleotide variant.
Coding change: c.304G>A on transcript NM_198994.3 (MANE Select); coding-DNA position 304, G replaced by A.
Protein change: p.Ala102Thr; replaces alanine 102 with threonine.
Molecular consequence: missense variant.
Genome position (GRCh38, 1-based): chr20:2,395,316, G>A. VCF-style: chr20-2395316-G-A. GRCh37 (hg19) VCF-style: chr20-2375962-G-A.
Other names: c.304G>A, p.Ala102Thr (NM_001254734.2); short protein forms A102T.
Identifiers: ClinVar variation 586822 (VCV000586822.7), dbSNP rs150088385, ClinGen allele CA9731610.
Genomic context (GRCh38, chr20:2,395,316, plus strand): 5'-GGTGAGGGCTGGACAGCAGCAAGGGAGGCTCAGATGGAGAAAACTCTGACCGTCAGTCTC[G>A]CCAGCCCTCCCAGTGCTGTCATTGGCCGCTACCTGCTGAGCATCAGGCTTTCCTCTCACC-3'
Protein context (NP_945345.2, residues 92-112): QMEKTLTVSL[Ala102Thr]SPPSAVIGRY

ClinVar aggregate classification (germline): Conflicting classifications of pathogenicity. Review status: criteria provided, conflicting classifications (1 of 4 stars). 2 submissions from 2 submitters: Uncertain significance (1); Benign (1). Last evaluated 2022-09-29.

Allele frequency attached by ClinVar (database versions not stated): gnomAD exomes 0.00004; ExAC 0.00005; ESP Exome Variant Server 0.00015; 1000 Genomes Project 30x 0.00016; gnomAD 0.00019 and 0.00021; 1000 Genomes Project 0.00020; TOPMed 0.00023.
gnomAD v4.1: 67 of 1,614,218 alleles (0.0042%); highest among the groups gnomAD compares: African/African-American, 0.071%; no homozygotes.

Submissions (2):

Labcorp Genetics (formerly Invitae), Labcorp
Classification: Uncertain significance. Last evaluated: 2022-09-29. Review status: criteria provided, single submitter. Criteria: Invitae Variant Classification Sherloc (09022015). Collection method: clinical testing. Allele origin: germline.
Comment: This variant is present in population databases (rs150088385, gnomAD 0.07%), and has an allele count higher than expected for a pathogenic variant. In summary, the available evidence is currently insufficient to determine the role of this variant in disease. Therefore, it has been classified as a Variant of Uncertain Significance. Advanced modeling of protein sequence and biophysical properties (such as structural, functional, and spatial information, amino acid conservation, physicochemical variation, residue mobility, and thermodynamic stability) performed at Invitae indicates that this missense variant is not expected to disrupt TGM6 protein function. ClinVar contains an entry for this variant (Variation ID: 586822). This variant has not been reported in the literature in individuals affected with TGM6-related conditions. This sequence change replaces alanine, which is neutral and non-polar, with threonine, which is neutral and polar, at codon 102 of the TGM6 protein (p.Ala102Thr).

Athena Diagnostics
Classification: Benign. Last evaluated: 2018-06-14. Review status: criteria provided, single submitter. Criteria: Athena Diagnostics Criteria. Collection method: clinical testing. Allele origin: germline.